The following is an entry in ClinVar:

NM_213720.3(CHCHD10):c.273C>T (p.Pro91=)

Gene: CHCHD10 (coiled-coil-helix-coiled-coil-helix domain containing 10; minus strand). Cytogenetic location: 22q11.23.
Variant type: single nucleotide variant.
Coding change: c.273C>T on transcript NM_213720.3 (MANE Select); coding-DNA position 273, C replaced by T.
Protein change: p.Pro91=; no amino-acid change (proline 91 retained).
Molecular consequence: synonymous variant. On other transcripts: non-coding transcript variant (2).
Genome position (GRCh38, 1-based): chr22:23,766,264, G>A on the plus strand (C>T on the coding strand, the complement: CHCHD10 is on the minus strand). VCF-style: chr22-23766264-G-A. GRCh37 (hg19) VCF-style: chr22-24108451-G-A.
Other names: c.294C>T, p.Pro98= (NM_001301339.2).
Identifiers: ClinVar variation 776092 (VCV000776092.12), dbSNP rs773772416, ClinGen allele CA10145272.

ClinVar aggregate classification (germline): Likely benign. Review status: criteria provided, single submitter (1 of 4 stars). 2 submissions from 2 submitters: Likely benign (1). 1 of the submissions does not count toward it. Last evaluated 2025-12-20.

Conditions:
Frontotemporal dementia and/or amyotrophic lateral sclerosis 2. Also called: FTDALS2. Identifiers: Orphanet 275872, MedGen C4014648, MONDO:0014395, OMIM 615911.
Autosomal dominant mitochondrial myopathy with exercise intolerance (IMMD). Also called: Myopathy, isolated mitochondrial, autosomal dominant. Identifiers: Orphanet 457050, MedGen C4015513, MONDO:0014532, OMIM 616209.
Lower motor neuron syndrome with late-adult onset (SMAJ). Also called: Spinal muscular atrophy, Jokela type; Late-Onset Spinal Motor Neuronopathy (SMAJ). Identifiers: Orphanet 276435, MedGen C3554398, MONDO:0014025, OMIM 615048.
CHCHD10-related disorder. Also called: CHCHD10-related condition; CHCHD10-Related Disorders. Identifiers: MedGen CN381526.

Allele frequency attached by ClinVar (database versions not stated): gnomAD exomes 0.00005; TOPMed 0.00006; ExAC 0.00007.

Submissions (2):

Labcorp Genetics (formerly Invitae), Labcorp
Classification: Likely benign for Lower motor neuron syndrome with late-adult onset; Frontotemporal dementia and/or amyotrophic lateral sclerosis 2; Autosomal dominant mitochondrial myopathy with exercise intolerance. Last evaluated: 2025-12-20. Review status: criteria provided, single submitter. Criteria: Invitae Variant Classification Sherloc (09022015). Collection method: clinical testing. Allele origin: germline.

PreventionGenetics, part of Exact Sciences
Classification: Likely benign for CHCHD10-related condition. Last evaluated: 2023-07-23. Review status: no assertion criteria provided. Collection method: clinical testing. Allele origin: germline. Not counted in ClinVar's aggregate classification.
Comment: This variant is classified as likely benign based on ACMG/AMP sequence variant interpretation guidelines (Richards et al. 2015 PMID: 25741868, with internal and published modifications).